The following is an entry in ClinVar:

ClinVar aggregate classification (germline): Benign (1 of 4 stars; one submission).

Conditions:
Early-onset generalized limb-onset dystonia. Also called: Dystonia-1, torsion; Oppenheim's dystonia; DYSTONIA MUSCULORUM DEFORMANS 1; Early onset torsion dystonia; DYT-TOR1A; Dystonia 1, modifier of. Identifiers: Orphanet 256, MedGen C1851945, MONDO:0007492, OMIM 128100.

Allele frequency attached by ClinVar (database versions not stated): 1000 Genomes Project 0.00240; gnomAD 0.00259 and 0.00274; 1000 Genomes Project 30x 0.00265; TOPMed 0.00293.

Submission:

Illumina Laboratory Services, Illumina
Classification: Benign for Early-onset generalized limb-onset dystonia. Last evaluated: 2018-01-12. Review status: criteria provided, single submitter. Criteria: ICSL Variant Classification Criteria 13 December 2019. Collection method: clinical testing. Allele origin: germline.
Comment: This variant was observed in the ICSL laboratory as part of a predisposition screen in an ostensibly healthy population. It had not been previously curated by ICSL or reported in the Human Gene Mutation Database (HGMD: prior to June 1st, 2018), and was therefore a candidate for classification through an automated scoring system. Utilizing variant allele frequency, disease prevalence and penetrance estimates, and inheritance mode, an automated score was calculated to assess if this variant is too frequent to cause the disease. Based on the score and internal cut-off values, a variant classified as benign is not then subjected to further curation. The score for this variant resulted in a classification of benign for this disease.

NM_000113.3(TOR1A):c.*948C>T

Gene: TOR1A (torsin family 1 member A; minus strand). Cytogenetic location: 9q34.11.
Variant type: single nucleotide variant.
Coding change: c.*948C>T on transcript NM_000113.3 (MANE Select); 948 bases downstream of the stop codon, C replaced by T.
Molecular consequence: 3 prime UTR variant.
Genome position (GRCh38, 1-based): chr9:129,813,024, G>A on the plus strand (C>T on the coding strand, the complement: TOR1A is on the minus strand). VCF-style: chr9-129813024-G-A. GRCh37 (hg19) VCF-style: chr9-132575303-G-A.
Identifiers: ClinVar variation 914135 (VCV000914135.4), dbSNP rs148723028, ClinGen allele CA200533272.